The following is an entry in ClinVar:

NC_000011.10:g.108293313del

Gene: ATM (ATM serine/threonine kinase; plus strand). Cytogenetic location: 11q22.3.
Variant type: Deletion.
Genome position: GRCh38 VCF-style: chr11-108293311-AG-A. GRCh37 (hg19) VCF-style: chr11-108164038-AG-A.
Identifiers: ClinVar variation 3148636 (VCV003148636.1), dbSNP rs2546930042, ClinGen allele CA2825001886.

ClinVar aggregate classification (germline): Pathogenic (1 of 4 stars; one submission).

Conditions:
Familial cancer of breast. Also called: BREAST CANCER, FAMILIAL; Hereditary breast cancer; hereditary breast carcinoma. Identifiers: Orphanet 227535, MedGen C0346153, MONDO:0016419, OMIM 114480. Disease mechanism: loss of function.

Submission:

Myriad Genetics, Inc.
Classification: Pathogenic for Familial cancer of breast. Last evaluated: 2024-01-24. Review status: criteria provided, single submitter. Criteria: Myriad Autosomal Dominant, Autosomal Recessive and X-Linked Classification Criteria (2023). Collection method: clinical testing. Allele origin: unknown.
Comment: This variant is considered pathogenic. This variant creates a frameshift predicted to result in premature protein truncation.